The following is an entry in ClinVar:

NM_000142.5(FGFR3):c.*14C>T

Gene: FGFR3 (fibroblast growth factor receptor 3; plus strand). Cytogenetic location: 4p16.3.
Variant type: single nucleotide variant.
Coding change: c.*14C>T on transcript NM_000142.5 (MANE Select); 14 bases downstream of the stop codon, C replaced by T.
Molecular consequence: 3 prime UTR variant. On other transcripts: synonymous variant (1), non-coding transcript variant (1).
Genome position (GRCh38, 1-based): chr4:1,807,276, C>T. VCF-style: chr4-1807276-C-T. GRCh37 (hg19) VCF-style: chr4-1809003-C-T.
Other names: c.*14C>T (NM_001163213.2, NM_001354809.2, NM_022965.4); c.2367C>T, p.Ser789= (NM_001354810.2).
Identifiers: ClinVar variation 3040561 (VCV003040561.2), dbSNP rs149119664, ClinGen allele CA91259712.
Genomic context (GRCh38, chr4:1,807,276, plus strand): 5'-ACCTGCTGCCCCCGGCCCCACCCAGCAGTGGGGGCTCGCGGACGTGAAGGGCCACTGGTC[C>T]CCAACAATGTGAGGGGTCCCTAGCAGCCCACCCTGCTGCTGGTGCACAGCCACTCCCCGG-3'

ClinVar aggregate classification (germline): Likely benign (0 of 4 stars; one submission).

Conditions:
FGFR3-related disorder. Also called: FGFR3-related disorders.

Allele frequency attached by ClinVar (database versions not stated): gnomAD 0.00001; TOPMed 0.00002.

Submission:

PreventionGenetics, part of Exact Sciences
Classification: Likely benign for FGFR3-related condition. Last evaluated: 2019-09-20. Review status: no assertion criteria provided. Collection method: clinical testing. Allele origin: germline.
Comment: This variant is classified as likely benign based on ACMG/AMP sequence variant interpretation guidelines (Richards et al. 2015 PMID: 25741868, with internal and published modifications).